The following is an entry in ClinVar:

ClinVar aggregate classification (germline): Benign. Review status: criteria provided, multiple submitters, no conflicts (2 of 4 stars). 18 submissions from 18 submitters: Benign (11). 7 of the submissions do not count toward it. Last evaluated 2026-02-04.

Conditions:
Niemann-Pick disease, type C1. Also called: NIEMANN-PICK DISEASE, VARIANT TYPE C1; NEUROVISCERAL STORAGE DISEASE WITH VERTICAL SUPRANUCLEAR OPHTHALMOPLEGIA; NIEMANN-PICK DISEASE WITH CHOLESTEROL ESTERIFICATION BLOCK; NIEMANN-PICK DISEASE WITHOUT SPHINGOMYELINASE DEFICIENCY; NIEMANN-PICK DISEASE, CHRONIC NEURONOPATHIC FORM. Identifiers: Orphanet 646, MedGen C3179455, MONDO:0009757, OMIM 257220.

Allele frequency attached by ClinVar (database versions not stated): gnomAD 0.74040 and 0.73957; TOPMed 0.76293; 1000 Genomes Project 0.83167; 1000 Genomes Project 30x 0.82870; ExAC 0.71772; ESP Exome Variant Server 0.73466.
gnomAD v4.1: 1,051,892 of 1,530,962 alleles (69%); highest among the groups gnomAD compares: East Asian, 94%; 374,159 homozygotes.

Submissions (18):

Labcorp Genetics (formerly Invitae), Labcorp
Classification: Benign for Niemann-Pick disease, type C1. Last evaluated: 2026-02-04. Review status: criteria provided, single submitter. Criteria: Invitae Variant Classification Sherloc (09022015). Collection method: clinical testing. Allele origin: germline.

Blueprint Genetics
Classification: Benign. Last evaluated: 2024-11-28. Review status: criteria provided, single submitter. Criteria: ACMG Guidelines, 2015. Collection method: clinical testing. Allele origin: germline.

Fulgent Genetics
Classification: Benign for Niemann-Pick disease, type C1. Last evaluated: 2021-08-11. Review status: criteria provided, single submitter. Criteria: ACMG Guidelines, 2015. Collection method: clinical testing. Allele origin: unknown.

Genome-Nilou Lab
Classification: Benign for Niemann-Pick disease, type C1. Last evaluated: 2021-06-10. Review status: criteria provided, single submitter. Criteria: ACMG Guidelines, 2015. Collection method: clinical testing. Allele origin: germline. Affected: no.

Mendelics
Classification: Benign for Niemann-Pick disease, type C1. Last evaluated: 2019-05-28. Review status: criteria provided, single submitter. Criteria: Mendelics Assertion Criteria 2017. Collection method: clinical testing. Allele origin: unknown.

Illumina Laboratory Services, Illumina
Classification: Benign for Niemann-Pick disease type C1. Last evaluated: 2018-01-12. Review status: criteria provided, single submitter. Criteria: ICSL Variant Classification Criteria 13 December 2019. Collection method: clinical testing. Allele origin: germline.
Comment: This variant was observed in the ICSL laboratory as part of a predisposition screen in an ostensibly healthy population. It had not been previously curated by ICSL or reported in the Human Gene Mutation Database (HGMD: prior to June 1st, 2018), and was therefore a candidate for classification through an automated scoring system. Utilizing variant allele frequency, disease prevalence and penetrance estimates, and inheritance mode, an automated score was calculated to assess if this variant is too frequent to cause the disease. Based on the score and internal cut-off values, a variant classified as benign is not then subjected to further curation. The score for this variant resulted in a classification of benign for this disease.

Eurofins Ntd Llc (ga)
Classification: Benign. Last evaluated: 2017-11-21. Review status: criteria provided, single submitter. Criteria: EGL Classification Definitions 2015. Collection method: clinical testing. Allele origin: germline. Observed: 99 variant alleles, 45 heterozygotes, 54 homozygotes.

Laboratory for Molecular Medicine, Mass General Brigham Personalized Medicine
Classification: Benign. Last evaluated: 2016-03-28. Review status: criteria provided, single submitter. Criteria: LMM Criteria. Collection method: clinical testing. Allele origin: germline.
Comment: Variant identified in a genome or exome case(s) and assessed due to predicted null impact of the variant or pathogenic assertions in the literature or databases. Disclaimer: This variant has not undergone full assessment. The following are preliminary notes: Frequency

GeneDx
Classification: Benign. Last evaluated: 2015-03-03. Review status: criteria provided, single submitter. Criteria: GeneDx Variant Classification Process June 2021. Collection method: clinical testing. Allele origin: germline. Affected: yes.
Comment: This variant is associated with the following publications: (PMID: 23153210)

Breakthrough Genomics
Classification: Benign. Review status: criteria provided, single submitter. Criteria: ACMG Guidelines, 2015. Collection method: not provided. Allele origin: germline. Inheritance: Autosomal recessive inheritance. Affected: yes.

PreventionGenetics, part of Exact Sciences
Classification: Benign. Review status: criteria provided, single submitter. Criteria: ACMG Guidelines, 2015. Collection method: clinical testing. Allele origin: germline.

Natera, Inc.
Classification: Benign for Niemann-Pick disease type C1. Last evaluated: 2020-09-16. Review status: no assertion criteria provided. Collection method: clinical testing. Allele origin: germline. Not counted in ClinVar's aggregate classification.

Genome Diagnostics Laboratory, Amsterdam University Medical Center
Classification: Benign for Niemann-Pick disease, type C1. Last evaluated: 2016-04-22. Review status: no assertion criteria provided. Criteria: ACGS Guidelines, 2013. Collection method: clinical testing. Allele origin: germline. Affected: yes. Study: VKGL Data-share Consensus. Not counted in ClinVar's aggregate classification.

Mayo Clinic Laboratories, Mayo Clinic
Classification: Benign. Last evaluated: 2015-10-23. Review status: no assertion criteria provided. Collection method: clinical testing. Allele origin: unknown. Not counted in ClinVar's aggregate classification.

Clinical Genetics, Academic Medical Center
Classification: Benign. Review status: no assertion criteria provided. Collection method: clinical testing. Allele origin: germline. Affected: yes. Study: VKGL Data-share Consensus. Not counted in ClinVar's aggregate classification.

Diagnostic Laboratory, Department of Genetics, University Medical Center Groningen
Classification: Benign for Niemann-Pick disease, type C1. Review status: no assertion criteria provided. Collection method: clinical testing. Allele origin: germline. Affected: yes. Study: VKGL Data-share Consensus. Not counted in ClinVar's aggregate classification.

Genetic Services Laboratory, University of Chicago
Classification: Likely benign for AllHighlyPenetrant. Review status: no assertion criteria provided. Collection method: clinical testing. Allele origin: germline. Inheritance: Autosomal recessive inheritance. Not counted in ClinVar's aggregate classification.
Comment: Likely benign based on allele frequency in 1000 Genomes Project or ESP global frequency and its presence in a patient with a rare or unrelated disease phenotype. NOT Sanger confirmed.

Joint Genome Diagnostic Labs from Nijmegen and Maastricht, Radboudumc and MUMC+
Classification: Benign. Review status: no assertion criteria provided. Collection method: clinical testing. Allele origin: germline. Affected: yes. Study: VKGL Data-share Consensus. Not counted in ClinVar's aggregate classification.

NM_000271.5(NPC1):c.1926G>C (p.Met642Ile)

Gene: NPC1 (NPC intracellular cholesterol transporter 1; minus strand). Cytogenetic location: 18q11.2.
Variant type: single nucleotide variant.
Coding change: c.1926G>C on transcript NM_000271.5 (MANE Select); coding-DNA position 1926, G replaced by C.
Protein change: p.Met642Ile; replaces methionine 642 with isoleucine.
Molecular consequence: missense variant.
Genome position (GRCh38, 1-based): chr18:23,544,981, C>G on the plus strand (G>C on the coding strand, the complement: NPC1 is on the minus strand). VCF-style: chr18-23544981-C-G. GRCh37 (hg19) VCF-style: chr18-21124945-C-G.
Other names: short protein forms M642I.
Identifiers: ClinVar variation 92701 (VCV000092701.39), dbSNP rs1788799, ClinGen allele CA145951.